The following is an entry in ClinVar:

ClinVar aggregate classification (germline): Uncertain significance (1 of 4 stars; one submission).

Submission:

Labcorp Genetics (formerly Invitae), Labcorp
Classification: Uncertain significance. Last evaluated: 2024-09-05. Review status: criteria provided, single submitter. Criteria: Invitae Variant Classification Sherloc (09022015). Collection method: clinical testing. Allele origin: germline.
Comment: This sequence change replaces asparagine, which is neutral and polar, with serine, which is neutral and polar, at codon 2616 of the ITPR1 protein (p.Asn2616Ser). This variant is not present in population databases (gnomAD no frequency). This variant has not been reported in the literature in individuals affected with ITPR1-related conditions. ClinVar contains an entry for this variant (Variation ID: 1969369). Invitae Evidence Modeling of protein sequence and biophysical properties (such as structural, functional, and spatial information, amino acid conservation, physicochemical variation, residue mobility, and thermodynamic stability) indicates that this missense variant is not expected to disrupt ITPR1 protein function with a negative predictive value of 80%. In summary, the available evidence is currently insufficient to determine the role of this variant in disease. Therefore, it has been classified as a Variant of Uncertain Significance.

NM_001378452.1(ITPR1):c.8036A>G (p.Asn2679Ser)

Gene: ITPR1 (inositol 1,4,5-trisphosphate receptor type 1; plus strand). Cytogenetic location: 3p26.1.
Variant type: single nucleotide variant.
Coding change: c.8036A>G on transcript NM_001378452.1 (MANE Select); coding-DNA position 8036, A replaced by G.
Protein change: p.Asn2679Ser; replaces asparagine 2679 with serine.
Molecular consequence: missense variant.
Genome position (GRCh38, 1-based): chr3:4,836,781, A>G. VCF-style: chr3-4836781-A-G. GRCh37 (hg19) VCF-style: chr3-4878465-A-G.
Other names: c.7892A>G, p.Asn2631Ser (NM_001099952.4); c.7991A>G, p.Asn2664Ser (NM_001168272.2); c.7847A>G, p.Asn2616Ser (NM_002222.7); short protein forms N2664S, N2679S, N2616S, N2631S.
Identifiers: ClinVar variation 1969369 (VCV001969369.5), dbSNP rs1036740673, ClinGen allele CA351793490.
Genomic context (GRCh38, chr3:4,836,781, plus strand): 5'-AGAAGTGACTCAGTCTTTTTTTTTTTTTTTTTTTTTTTTAATGTGGATTCTAGGAAAGAA[A>G]CCTTGACTGGTTCCCCAGGATGAGAGCCATGTCATTGGTCAGCAGTGATTCTGAAGGAGA-3'
Protein context (NP_001365381.1, residues 2669-2689): SYVAEMIKER[Asn2679Ser]LDWFPRMRAM